The following is an entry in ClinVar:

NM_018100.4(EFHC1):c.1607G>C (p.Arg536Pro)

Gene: EFHC1 (EF-hand domain containing 1; plus strand). Cytogenetic location: 6p12.2.
Variant type: single nucleotide variant.
Coding change: c.1607G>C on transcript NM_018100.4 (MANE Select); coding-DNA position 1607, G replaced by C.
Protein change: p.Arg536Pro; replaces arginine 536 with proline.
Molecular consequence: missense variant. On other transcripts: non-coding transcript variant (1).
Genome position (GRCh38, 1-based): chr6:52,479,754, G>C. VCF-style: chr6-52479754-G-C. GRCh37 (hg19) VCF-style: chr6-52344552-G-C.
Other names: c.1550G>C, p.Arg517Pro (NM_001172420.2); short protein forms R536P, R517P.
Identifiers: ClinVar variation 571113 (VCV000571113.11), dbSNP rs867304706, ClinGen allele CA364458208.

ClinVar aggregate classification (germline): Uncertain significance (1 of 4 stars; one submission).

Conditions:
Absence seizure. Also called: Absence epilepsy. Identifiers: Orphanet 1941, MedGen C0014553.
Myoclonic epilepsy, juvenile, susceptibility to, 1. Also called: Myoclonic Epilepsy, Juvenile, 1; EJM1. Identifiers: MedGen C1850778, MONDO:0020752, OMIM 254770.

Submission:

Labcorp Genetics (formerly Invitae), Labcorp
Classification: Uncertain significance for Myoclonic epilepsy, juvenile, susceptibility to, 1; Absence seizure. Last evaluated: 2022-10-17. Review status: criteria provided, single submitter. Criteria: Invitae Variant Classification Sherloc (09022015). Collection method: clinical testing. Allele origin: germline.
Comment: This sequence change replaces arginine, which is basic and polar, with proline, which is neutral and non-polar, at codon 536 of the EFHC1 protein (p.Arg536Pro). This variant is not present in population databases (gnomAD no frequency). This variant has not been reported in the literature in individuals affected with EFHC1-related conditions. ClinVar contains an entry for this variant (Variation ID: 571113). Advanced modeling of protein sequence and biophysical properties (such as structural, functional, and spatial information, amino acid conservation, physicochemical variation, residue mobility, and thermodynamic stability) performed at Invitae indicates that this missense variant is not expected to disrupt EFHC1 protein function. In summary, the available evidence is currently insufficient to determine the role of this variant in disease. Therefore, it has been classified as a Variant of Uncertain Significance.